The following is an entry in ClinVar:

NM_003823.4(TNFRSF6B):c.856C>T (p.Pro286Ser)

Genes: RTEL1-TNFRSF6B (RTEL1-TNFRSF6B readthrough (NMD candidate); plus strand), TNFRSF6B (TNF receptor superfamily member 6b; plus strand). Cytogenetic location: 20q13.33.
Variant type: single nucleotide variant.
Coding change: c.856C>T on transcript NM_003823.4 (MANE Select); coding-DNA position 856, C replaced by T.
Protein change: p.Pro286Ser; replaces proline 286 with serine.
Molecular consequence: missense variant. On other transcripts: non-coding transcript variant (1).
Genome position (GRCh38, 1-based): chr20:63,698,516, C>T. VCF-style: chr20-63698516-C-T. GRCh37 (hg19) VCF-style: chr20-62329869-C-T.
Other names: short protein forms P286S.
Identifiers: ClinVar variation 2101721 (VCV002101721.4), dbSNP rs753032413, ClinGen allele CA317537246.

ClinVar aggregate classification (germline): Uncertain significance (1 of 4 stars; one submission).

Allele frequency attached by ClinVar (database versions not stated): gnomAD 0.00001; TOPMed 0.00001.

Submission:

Labcorp Genetics (formerly Invitae), Labcorp
Classification: Uncertain significance. Last evaluated: 2024-09-10. Review status: criteria provided, single submitter. Criteria: Invitae Variant Classification Sherloc (09022015). Collection method: clinical testing. Allele origin: germline.
Comment: This sequence change replaces proline, which is neutral and non-polar, with serine, which is neutral and polar, at codon 286 of the TNFRSF6B protein (p.Pro286Ser). The frequency data for this variant in the population databases is considered unreliable, as metrics indicate poor data quality at this position in the gnomAD database. This variant has not been reported in the literature in individuals affected with TNFRSF6B-related conditions. ClinVar contains an entry for this variant (Variation ID: 2101721). An algorithm developed to predict the effect of missense changes on protein structure and function (PolyPhen-2) suggests that this variant is likely to be tolerated. In summary, the available evidence is currently insufficient to determine the role of this variant in disease. Therefore, it has been classified as a Variant of Uncertain Significance.